The following is an entry in ClinVar:

NM_000257.4(MYH7):c.2491_2493del (p.Lys831del)

Genes: MYH7 (myosin heavy chain 7; minus strand), LOC126861898 (BRD4-independent group 4 enhancer GRCh37_chr14:23893609-23894808; plus strand). Cytogenetic location: 14q11.2.
Variant type: Deletion.
Coding change: c.2491_2493del on transcript NM_000257.4 (MANE Select); coding-DNA positions 2491 to 2493, 3 bases deleted (AAG; older notation c.2491_2493delAAG).
Protein change: p.Lys831del; deletes lysine 831.
Genome position (GRCh38, 1-based): chr14:23,424,955-23,424,957, CTT deleted on the plus strand (AAG on the coding strand, the reverse complement: MYH7 is on the minus strand); deleting any 3 consecutive bases within chr14:23,424,955-23,424,958 gives the same sequence; the c. name uses the placement nearest the transcript's 3' end. VCF-style (leftmost placement, unchanged base first): chr14-23424954-GCTT-G. GRCh37 (hg19) VCF-style: chr14-23894163-GCTT-G.
Other names: c.2491_2493del, p.Lys831del (NM_001407004.1); short protein forms K831del.
Identifiers: ClinVar variation 3724734 (VCV003724734.2).
Genomic context (GRCh38, chr14:23,424,954, plus strand): 5'-TGGAGGCCATCTCCTTCTCTCTTTCTGCACTCTTCAGCAGCGGCTTGATCTTGAAGTAGA[GCTT>G]CATCCAGGGCCAATTCTTGACCCCCATGAAGGCCCGAATGTTCCACTGGATTACCAGCAG-3'

ClinVar aggregate classification (germline): Uncertain significance (1 of 4 stars; one submission).

Conditions:
Hypertrophic cardiomyopathy. Also called: HYPERTROPHIC MYOCARDIOPATHY. Identifiers: Orphanet 217569, MedGen C0007194, MeSH D002312, MONDO:0005045, HP:0001639.

Submission:

Labcorp Genetics (formerly Invitae), Labcorp
Classification: Uncertain significance for Hypertrophic cardiomyopathy. Last evaluated: 2024-11-06. Review status: criteria provided, single submitter. Criteria: Invitae Variant Classification Sherloc (09022015). Collection method: clinical testing. Allele origin: germline.
Comment: This variant, c.2491_2493del, results in the deletion of 1 amino acid(s) of the MYH7 protein (p.Lys831del), but otherwise preserves the integrity of the reading frame. This variant is not present in population databases (gnomAD no frequency). This variant has not been reported in the literature in individuals affected with MYH7-related conditions. Experimental studies and prediction algorithms are not available or were not evaluated, and the functional significance of this variant is currently unknown. In summary, the available evidence is currently insufficient to determine the role of this variant in disease. Therefore, it has been classified as a Variant of Uncertain Significance.